The following is an entry in ClinVar:

NM_001042413.2(GLIS3):c.*2191G>A

Gene: GLIS3 (GLIS family zinc finger 3; minus strand). Cytogenetic location: 9p24.2.
Variant type: single nucleotide variant.
Coding change: c.*2191G>A on transcript NM_001042413.2 (MANE Select); 2191 bases downstream of the stop codon, G replaced by A.
Molecular consequence: 3 prime UTR variant.
Genome position (GRCh38, 1-based): chr9:3,826,081, C>T on the plus strand (G>A on the coding strand, the complement: GLIS3 is on the minus strand). VCF-style: chr9-3826081-C-T. GRCh37 (hg19) VCF-style: chr9-3826081-C-T.
Other names: c.*2191G>A (NM_152629.4).
Identifiers: ClinVar variation 366919 (VCV000366919.6), dbSNP rs3739618, ClinGen allele CA10634080.

ClinVar aggregate classification (germline): Benign. Review status: criteria provided, multiple submitters, no conflicts (2 of 4 stars). 2 submissions from 2 submitters: Benign (2). Last evaluated 2018-01-13.

Conditions:
Neonatal diabetes mellitus with congenital hypothyroidism. Also called: NDH SYNDROME. Identifiers: Orphanet 79118, MedGen C1857775, MONDO:0012436, OMIM 610199.

Allele frequency attached by ClinVar (database versions not stated): gnomAD 0.20727 and 0.20986; TOPMed 0.21573; 1000 Genomes Project 0.23163; 1000 Genomes Project 30x 0.23407; gnomAD exomes 0.25000.
gnomAD v4.1: 31,589 of 152,158 alleles (21%); highest among the groups gnomAD compares: East Asian, 31%; 3,478 homozygotes.

Submissions (2):

Illumina Laboratory Services, Illumina
Classification: Benign for Neonatal diabetes mellitus with congenital hypothyroidism. Last evaluated: 2018-01-13. Review status: criteria provided, single submitter. Criteria: ICSL Variant Classification Criteria 13 December 2019. Collection method: clinical testing. Allele origin: germline.
Comment: This variant was observed in the ICSL laboratory as part of a predisposition screen in an ostensibly healthy population. It had not been previously curated by ICSL or reported in the Human Gene Mutation Database (HGMD: prior to June 1st, 2018), and was therefore a candidate for classification through an automated scoring system. Utilizing variant allele frequency, disease prevalence and penetrance estimates, and inheritance mode, an automated score was calculated to assess if this variant is too frequent to cause the disease. Based on the score and internal cut-off values, a variant classified as benign is not then subjected to further curation. The score for this variant resulted in a classification of benign for this disease.

Breakthrough Genomics
Classification: Benign. Review status: criteria provided, single submitter. Criteria: ACMG Guidelines, 2015. Collection method: not provided. Allele origin: germline. Inheritance: Autosomal recessive inheritance. Affected: yes.